The following is an entry in ClinVar:

NM_003413.4(ZIC3):c.627dup (p.Tyr210fs)

Gene: ZIC3 (Zic family zinc finger 3; plus strand). Cytogenetic location: Xq26.3.
Variant type: Duplication.
Coding change: c.627dup on transcript NM_003413.4 (MANE Select); coding-DNA position 627, one base duplicated (C; older notation c.627dupC).
Protein change: p.Tyr210fs; shifts the reading frame from tyrosine 210.
Molecular consequence: frameshift variant.
Genome position (GRCh38, 1-based): chrX:137,567,318, C duplicated; the last of 4 consecutive C bases (chrX:137,567,315-137,567,318); duplicating any one gives the same sequence. VCF-style (leftmost placement, unchanged base first): chrX-137567314-A-AC. GRCh37 (hg19) VCF-style: chrX-136649473-A-AC.
Other names: c.627dup, p.Tyr210fs (NM_001330661.1); short protein forms Y210fs.
Identifiers: ClinVar variation 2631598 (VCV002631598.1), dbSNP rs2521149676, ClinGen allele CA2695197185.
Genomic context (GRCh38, chrX:137,567,314, plus strand): 5'-TGCGTGGGGAGCTGTTCGGCCGTGCTGACCCATACCGCCCAGTGGCCAGCCCGCGCACGG[A>AC]CCCCTACGCGGCCGGCGCTCAGTTTCCTAACTACAGCCCCATGAACATGAACATGGGAGT-3'

ClinVar aggregate classification (germline): Likely pathogenic (1 of 4 stars; one submission).

Conditions:
ZIC3-related disorder. Also called: ZIC3-related condition; ZIC3-Related Disorders.

Submission:

PreventionGenetics, part of Exact Sciences
Classification: Likely pathogenic for ZIC3-related condition. Last evaluated: 2023-08-03. Review status: criteria provided, single submitter. Criteria: ACMG Guidelines, 2015. Collection method: clinical testing. Allele origin: germline.
Comment: The ZIC3 c.627dupC variant is predicted to result in a frameshift and premature protein termination (p.Tyr210Leufs*9). To our knowledge, this variant has not been reported in the literature or in a large population database, indicating this variant is rare. Frameshift variants in ZIC3 are expected to be pathogenic. This variant is interpreted as likely pathogenic.